The following is an entry in ClinVar:

ClinVar aggregate classification (germline): Uncertain significance (1 of 4 stars; one submission).

gnomAD v4.1: 8 of 1,614,086 alleles (0.0005%); highest among the groups gnomAD compares: South Asian, 0.0022%; no homozygotes.

Submission:

Labcorp Genetics (formerly Invitae), Labcorp
Classification: Uncertain significance. Last evaluated: 2023-08-04. Review status: criteria provided, single submitter. Criteria: Invitae Variant Classification Sherloc (09022015). Collection method: clinical testing. Allele origin: germline.
Comment: This sequence change replaces serine, which is neutral and polar, with asparagine, which is neutral and polar, at codon 830 of the KMT2A protein (p.Ser830Asn). This variant is present in population databases (rs542341518, gnomAD 0.006%). This variant has not been reported in the literature in individuals affected with KMT2A-related conditions. ClinVar contains an entry for this variant (Variation ID: 2124449). Advanced modeling of protein sequence and biophysical properties (such as structural, functional, and spatial information, amino acid conservation, physicochemical variation, residue mobility, and thermodynamic stability) performed at Invitae indicates that this missense variant is not expected to disrupt KMT2A protein function. In summary, the available evidence is currently insufficient to determine the role of this variant in disease. Therefore, it has been classified as a Variant of Uncertain Significance.

NM_001197104.2(KMT2A):c.2489G>A (p.Ser830Asn)

Gene: KMT2A (lysine methyltransferase 2A; plus strand). Cytogenetic location: 11q23.3.
Variant type: single nucleotide variant.
Coding change: c.2489G>A on transcript NM_001197104.2 (MANE Select); coding-DNA position 2489, G replaced by A.
Protein change: p.Ser830Asn; replaces serine 830 with asparagine.
Molecular consequence: missense variant.
Genome position (GRCh38, 1-based): chr11:118,473,648, G>A. VCF-style: chr11-118473648-G-A. GRCh37 (hg19) VCF-style: chr11-118344363-G-A.
Other names: c.2588G>A, p.Ser863Asn (NM_001412597.1); c.2489G>A, p.Ser830Asn (NM_005933.4); short protein forms S830N, S863N.
Identifiers: ClinVar variation 2124449 (VCV002124449.4), dbSNP rs542341518, ClinGen allele CA6303516.